The following is an entry in ClinVar:

ClinVar aggregate classification (germline): Uncertain significance (1 of 4 stars; one submission).

Conditions:
Chédiak-Higashi syndrome (CHS). Also called: Chediak-Higashi Syndrome. Identifiers: Orphanet 167, MedGen C0007965, MONDO:0008963, OMIM 214500.

Submission:

Labcorp Genetics (formerly Invitae), Labcorp
Classification: Uncertain significance for Chédiak-Higashi syndrome. Last evaluated: 2022-07-19. Review status: criteria provided, single submitter. Criteria: Invitae Variant Classification Sherloc (09022015). Collection method: clinical testing. Allele origin: germline.
Comment: In summary, the available evidence is currently insufficient to determine the role of this variant in disease. Therefore, it has been classified as a Variant of Uncertain Significance. Algorithms developed to predict the effect of missense changes on protein structure and function (SIFT, PolyPhen-2, Align-GVGD) all suggest that this variant is likely to be tolerated. This variant has not been reported in the literature in individuals affected with LYST-related conditions. This variant is not present in population databases (gnomAD no frequency). This sequence change replaces lysine, which is basic and polar, with arginine, which is basic and polar, at codon 634 of the LYST protein (p.Lys634Arg).

NM_000081.4(LYST):c.1901A>G (p.Lys634Arg)

Gene: LYST (lysosomal trafficking regulator; minus strand). Cytogenetic location: 1q42.3.
Variant type: single nucleotide variant.
Coding change: c.1901A>G on transcript NM_000081.4 (MANE Select); coding-DNA position 1901, A replaced by G.
Protein change: p.Lys634Arg; replaces lysine 634 with arginine.
Molecular consequence: missense variant.
Genome position (GRCh38, 1-based): chr1:235,808,917, T>C on the plus strand (A>G on the coding strand, the complement: LYST is on the minus strand). VCF-style: chr1-235808917-T-C. GRCh37 (hg19) VCF-style: chr1-235972217-T-C.
Other names: c.1901A>G, p.Lys634Arg (NM_001301365.1); short protein forms K634R.
Identifiers: ClinVar variation 1719678 (VCV001719678.4), dbSNP rs1673157590, ClinGen allele CA344961390.